The following is an entry in ClinVar:

ClinVar aggregate classification (germline): Conflicting classifications of pathogenicity. Review status: criteria provided, conflicting classifications (1 of 4 stars). 5 submissions from 5 submitters: Uncertain significance (1); Likely benign (3). 1 of the submissions does not count toward it. Last evaluated 2026-01-15.

Conditions:
COL6A2-related disorder.
Inborn genetic diseases. Identifiers: MedGen C0950123, MeSH D030342.
Bethlem myopathy 1A. Also called: Bethlem myopathy 1; MYOPATHY, BENIGN CONGENITAL, WITH CONTRACTURES; Bethlem Muscular Dystrophy. Identifiers: Orphanet 610, MedGen CN029274, MONDO:0024530, OMIM 158810.

Allele frequency attached by ClinVar (database versions not stated): TOPMed 0.00081; ESP Exome Variant Server 0.00123; gnomAD exomes 0.00007 and 0.00025; ExAC 0.00029; 1000 Genomes Project 0.00040; 1000 Genomes Project 30x 0.00062; gnomAD 0.00070 and 0.00077.
gnomAD v4.1: 214 of 1,609,238 alleles (0.013%); highest among the groups gnomAD compares: African/African-American, 0.24%; no homozygotes.

Submissions (5):

Labcorp Genetics (formerly Invitae), Labcorp
Classification: Likely benign for Bethlem myopathy 1A. Last evaluated: 2026-01-15. Review status: criteria provided, single submitter. Criteria: Invitae Variant Classification Sherloc (09022015). Collection method: clinical testing. Allele origin: germline.

Ambry Genetics
Classification: Likely benign for Inborn genetic diseases. Last evaluated: 2025-03-07. Review status: criteria provided, single submitter. Criteria: Ambry Variant Classification Scheme 2023. Collection method: clinical testing. Allele origin: germline.

GeneDx
Classification: Likely benign. Last evaluated: 2021-05-19. Review status: criteria provided, single submitter. Criteria: GeneDx Variant Classification Process June 2021. Collection method: clinical testing. Allele origin: germline. Affected: yes.
Comment: In silico analysis, which includes protein predictors and evolutionary conservation, supports that this variant does not alter protein structure/function; Has not been previously published as pathogenic or benign to our knowledge

Eurofins Ntd Llc (ga)
Classification: Uncertain significance. Last evaluated: 2018-07-19. Review status: criteria provided, single submitter. Criteria: EGL ClinVar v180209 classification definitions. Collection method: clinical testing. Allele origin: germline. Observed: 5 variant alleles, 5 heterozygotes.

PreventionGenetics, part of Exact Sciences
Classification: Likely benign for COL6A2-related condition. Last evaluated: 2022-02-15. Review status: no assertion criteria provided. Collection method: clinical testing. Allele origin: germline. Not counted in ClinVar's aggregate classification.
Comment: This variant is classified as likely benign based on ACMG/AMP sequence variant interpretation guidelines (Richards et al. 2015 PMID: 25741868, with internal and published modifications).

NM_001849.4(COL6A2):c.2882C>T (p.Ala961Val)

Gene: COL6A2 (collagen type VI alpha 2 chain; plus strand). Cytogenetic location: 21q22.3.
Variant type: single nucleotide variant.
Coding change: c.2882C>T on transcript NM_001849.4 (MANE Select); coding-DNA position 2882, C replaced by T.
Protein change: p.Ala961Val; replaces alanine 961 with valine.
Molecular consequence: missense variant.
Genome position (GRCh38, 1-based): chr21:46,132,374, C>T. VCF-style: chr21-46132374-C-T. GRCh37 (hg19) VCF-style: chr21-47552288-C-T.
Other names: short protein forms A961V.
Identifiers: ClinVar variation 284809 (VCV000284809.21), dbSNP rs138674440, ClinGen allele CA10073076.